The following is an entry in ClinVar:

NM_030665.4(RAI1):c.2050_2056del (p.Pro684fs)

Gene: RAI1 (retinoic acid induced 1; plus strand). Cytogenetic location: 17p11.2.
Variant type: Deletion.
Coding change: c.2050_2056del on transcript NM_030665.4 (MANE Select); coding-DNA positions 2050 to 2056, 7 bases deleted (CCAGGGC; older notation c.2050_2056delCCAGGGC).
Protein change: p.Pro684fs; shifts the reading frame from proline 684.
Molecular consequence: frameshift variant.
Genome position (GRCh38, 1-based): chr17:17,794,998-17,795,004, CCAGGGC deleted; deleting any 7 consecutive bases within chr17:17,794,996-17,795,004 gives the same sequence; the c. name uses the placement nearest the transcript's 3' end. VCF-style (leftmost placement, unchanged base first): chr17-17794995-AGCCCAGG-A. GRCh37 (hg19) VCF-style: chr17-17698309-AGCCCAGG-A.
Other names: short protein forms P684fs.
Identifiers: ClinVar variation 4854939 (VCV004854939.1).

ClinVar aggregate classification (germline): Likely pathogenic (1 of 4 stars; one submission).

Conditions:
Smith-Magenis syndrome (SMS). Also called: CHROMOSOME 17p11.2 DELETION SYNDROME. Identifiers: Orphanet 819, MedGen C0795864, MONDO:0008434, OMIM 182290.

Submission:

3billion
Classification: Likely pathogenic for Smith-Magenis syndrome. Last evaluated: 2025-06-19. Review status: criteria provided, single submitter. Criteria: ACMG Guidelines, 2015. Collection method: clinical testing. Allele origin: germline. Affected: yes.
Comment: The variant is not observed in the gnomAD v4.1.0 dataset. Predicted Consequence/Location: Frameshift: predicted to result in a loss or disruption of normal protein function through nonsense-mediated decay (NMD) or protein truncation. Multiple pathogenic variants are reported downstream of the variant. Therefore, this variant is classified as Likely pathogenic according to the recommendation of ACMG/AMP guideline.